The following is an entry in ClinVar:

ClinVar aggregate classification (germline): Uncertain significance (1 of 4 stars; one submission).

Allele frequency attached by ClinVar (database versions not stated): gnomAD exomes below 0.00001; TOPMed below 0.00001; gnomAD 0.00001.
gnomAD v4.1: 2 of 1,614,066 alleles (0.00012%); highest among the groups gnomAD compares: South Asian, 0.0011%; no homozygotes.

Submission:

GeneDx
Classification: Uncertain significance. Last evaluated: 2020-01-13. Review status: criteria provided, single submitter. Criteria: GeneDx Variant Classification Process June 2021. Collection method: clinical testing. Allele origin: germline. Affected: yes.
Comment: Has not been previously published as pathogenic or benign to our knowledge; Not observed at a significant frequency in large population cohorts (Lek et al., 2016); In silico analysis, which includes protein predictors and evolutionary conservation, supports a deleterious effect

NM_001852.4(COL9A2):c.550G>A (p.Gly184Ser)

Gene: COL9A2 (collagen type IX alpha 2 chain; minus strand). Cytogenetic location: 1p34.2.
Variant type: single nucleotide variant.
Coding change: c.550G>A on transcript NM_001852.4 (MANE Select); coding-DNA position 550, G replaced by A.
Protein change: p.Gly184Ser; replaces glycine 184 with serine.
Molecular consequence: missense variant.
Genome position (GRCh38, 1-based): chr1:40,311,256, C>T on the plus strand (G>A on the coding strand, the complement: COL9A2 is on the minus strand). VCF-style: chr1-40311256-C-T. GRCh37 (hg19) VCF-style: chr1-40776928-C-T.
Other names: short protein forms G184S.
Identifiers: ClinVar variation 1311775 (VCV001311775.2), dbSNP rs1374069257, ClinGen allele CA339855930.